The following is an entry in ClinVar:

ClinVar aggregate classification (germline): Uncertain significance (1 of 4 stars; one submission).

gnomAD v4.1: 3 of 1,611,066 alleles (0.00019%); highest among the groups gnomAD compares: East Asian, 0.0045%; no homozygotes.

Submission:

Labcorp Genetics (formerly Invitae), Labcorp
Classification: Uncertain significance. Last evaluated: 2025-06-03. Review status: criteria provided, single submitter. Criteria: Invitae Variant Classification Sherloc (09022015). Collection method: clinical testing. Allele origin: germline.
Comment: This sequence change falls in intron 6 of the ABRAXAS1 gene. It does not directly change the encoded amino acid sequence of the ABRAXAS1 protein. It affects a nucleotide within the consensus splice site. This variant is not present in population databases (gnomAD no frequency). This variant has not been reported in the literature in individuals affected with ABRAXAS1-related conditions. Variants that disrupt the consensus splice site are a relatively common cause of aberrant splicing (PMID: 17576681, 9536098). Algorithms developed to predict the effect of sequence changes on RNA splicing suggest that this variant may disrupt the consensus splice site. In summary, the available evidence is currently insufficient to determine the role of this variant in disease. Therefore, it has been classified as a Variant of Uncertain Significance.

Literature cited by the submitters: PubMed 17576681; PubMed 9536098.

NM_139076.3(ABRAXAS1):c.596+3A>G

Gene: ABRAXAS1 (abraxas 1, BRCA1 A complex subunit; minus strand). Cytogenetic location: 4q21.23.
Variant type: single nucleotide variant.
Coding change: c.596+3A>G on transcript NM_139076.3 (MANE Select); 3 bases into the intron after coding-DNA position 596, A replaced by G.
Molecular consequence: intron variant.
Genome position (GRCh38, 1-based): chr4:83,469,029, T>C on the plus strand (A>G on the coding strand, the complement: ABRAXAS1 is on the minus strand). VCF-style: chr4-83469029-T-C. GRCh37 (hg19) VCF-style: chr4-84390182-T-C.
Other names: c.269+3A>G (NM_001345962.2).
Identifiers: ClinVar variation 4704424 (VCV004704424.1).